The following is an entry in ClinVar:

NM_017646.6(TRIT1):c.1273A>C (p.Lys425Gln)

Gene: TRIT1 (tRNA isopentenyltransferase 1; minus strand). Cytogenetic location: 1p34.2.
Variant type: single nucleotide variant.
Coding change: c.1273A>C on transcript NM_017646.6 (MANE Select); coding-DNA position 1273, A replaced by C.
Protein change: p.Lys425Gln; replaces lysine 425 with glutamine.
Molecular consequence: missense variant.
Genome position (GRCh38, 1-based): chr1:39,841,875, T>G on the plus strand (A>C on the coding strand, the complement: TRIT1 is on the minus strand). VCF-style: chr1-39841875-T-G. GRCh37 (hg19) VCF-style: chr1-40307547-T-G.
Other names: c.1027A>C, p.Lys343Gln (NM_001312692.2); c.1195A>C, p.Lys399Gln (NM_001312691.2); short protein forms K343Q, K399Q, K425Q.
Identifiers: ClinVar variation 3901776 (VCV003901776.1).
Genomic context (GRCh38, chr1:39,841,875, plus strand): 5'-CTGGGGAAACACTCTGACTTTCTATGGTGTTGACAGCATCTGAGTCCAATCTTCTTCTTT[T>G]CTTCAGTTGGTTCAAGTGGGATTTGGATTTTATGTGCGCTGATAAGACAAAATCAAACCA-3'
Protein context (NP_060116.2, residues 415-435): KSKSHLNQLK[Lys425Gln]RRRLDSDAVN

ClinVar aggregate classification (germline): Uncertain significance (1 of 4 stars; one submission).

gnomAD v4.1: 3 of 1,614,040 alleles (0.00019%); highest among the groups gnomAD compares: Admixed American, 0.0033%; no homozygotes.

Submission:

GeneDx
Classification: Uncertain significance. Last evaluated: 2024-12-03. Review status: criteria provided, single submitter. Criteria: GeneDx Variant Classification Process June 2021. Collection method: clinical testing. Allele origin: germline. Affected: yes.
Comment: Not observed at significant frequency in large population cohorts (gnomAD); In silico analysis supports that this missense variant has a deleterious effect on protein structure/function; Has not been previously published as pathogenic or benign to our knowledge